The following is an entry in ClinVar:

NM_004654.4(USP9Y):c.1256G>A (p.Arg419His)

Gene: USP9Y (ubiquitin specific peptidase 9 Y-linked; plus strand). Cytogenetic location: Yq11.221.
Variant type: single nucleotide variant.
Coding change: c.1256G>A on transcript NM_004654.4 (MANE Select); coding-DNA position 1256, G replaced by A.
Protein change: p.Arg419His; replaces arginine 419 with histidine.
Molecular consequence: missense variant.
Genome position (GRCh38, 1-based): chrY:12,738,248, G>A. VCF-style: chrY-12738248-G-A. GRCh37 (hg19) VCF-style: chrY-14850182-G-A.
Other names: short protein forms R419H.
Identifiers: ClinVar variation 3383102 (VCV003383102.2).

ClinVar aggregate classification (germline): Uncertain significance (1 of 4 stars; one submission).

Conditions:
Spermatogenic failure, Y-linked, 2 (SPGFY2). Also called: AZOOSPERMIA, NONOBSTRUCTIVE, Y-LINKED; OLIGOSPERMIA, NONOBSTRUCTIVE, Y-LINKED; OLIGOZOOSPERMIA, NONOBSTRUCTIVE, Y-LINKED; SPERMATOGENIC ARREST, Y-LINKED; SPERMATOGENIC FAILURE, NONOBSTRUCTIVE, Y-LINKED. Identifiers: Orphanet 1646, MedGen C1839071, MONDO:0010767, OMIM 415000. Disease mechanism: loss of function.

Submission:

Juno Genomics, Hangzhou Juno Genomics, Inc
Classification: Uncertain significance for Spermatogenic failure, Y-linked, 2. Review status: criteria provided, single submitter. Criteria: ACMG Guidelines, 2015. Collection method: clinical testing. Allele origin: germline. Affected: yes.
Comment: Absent from controls (or at extremely low frequency if recessive) in Genome Aggregation Database, Exome Sequencing Project, 1000 Genomes Project, or Exome Aggregation Consortium.